The following is an entry in ClinVar:

ClinVar aggregate classification (germline): Uncertain significance (1 of 4 stars; one submission).

gnomAD v4.1: 2 of 1,614,070 alleles (0.00012%); highest among the groups gnomAD compares: African/African-American, 0.0027%; no homozygotes.

Submission:

GeneDx
Classification: Uncertain significance. Last evaluated: 2024-02-08. Review status: criteria provided, single submitter. Criteria: GeneDx Variant Classification Process June 2021. Collection method: clinical testing. Allele origin: germline. Affected: yes.
Comment: Not observed at significant frequency in large population cohorts (gnomAD); In silico analysis supports that this missense variant has a deleterious effect on protein structure/function; Has not been previously published as pathogenic or benign to our knowledge

NM_001382347.1(MYO5A):c.2141T>C (p.Met714Thr)

Genes: MYO5A (myosin VA; minus strand), LOC130057087 (ATAC-STARR-seq lymphoblastoid active region 9427; plus strand). Cytogenetic location: 15q21.2.
Variant type: single nucleotide variant.
Coding change: c.2141T>C on transcript NM_001382347.1 (MANE Select); coding-DNA position 2141, T replaced by C.
Protein change: p.Met714Thr; replaces methionine 714 with threonine.
Molecular consequence: missense variant.
Genome position (GRCh38, 1-based): chr15:52,379,692, A>G on the plus strand (T>C on the coding strand, the complement: MYO5A is on the minus strand). VCF-style: chr15-52379692-A-G. GRCh37 (hg19) VCF-style: chr15-52671889-A-G.
Other names: c.2141T>C, p.Met714Thr (NM_000259.3, NM_001142495.2, NM_001411135.1); c.2213T>C, p.Met738Thr (NM_001382348.1, NM_001382349.1); short protein forms M714T, M738T.
Identifiers: ClinVar variation 3368910 (VCV003368910.1).